The following is an entry in ClinVar:

ClinVar aggregate classification (germline): Likely benign (1 of 4 stars; one submission).

Conditions:
Deficiency of malonyl-CoA decarboxylase. Also called: Malonic aciduria; MCD deficiency. Identifiers: Orphanet 943, MedGen C0342793, MONDO:0009556, OMIM 248360.

Allele frequency attached by ClinVar (database versions not stated): 1000 Genomes Project 0.00040; 1000 Genomes Project 30x 0.00047; TOPMed 0.00221.
gnomAD v4.1: 3,094 of 1,176,222 alleles (0.26%); highest among the groups gnomAD compares: Non-Finnish European, 0.31%; 9 homozygotes.

Submission:

Illumina Laboratory Services, Illumina
Classification: Likely benign for Deficiency of malonyl-CoA decarboxylase. Last evaluated: 2018-01-13. Review status: criteria provided, single submitter. Criteria: ICSL Variant Classification Criteria 13 December 2019. Collection method: clinical testing. Allele origin: germline.
Comment: This variant was observed in the ICSL laboratory as part of a predisposition screen in an ostensibly healthy population. It had not been previously curated by ICSL or reported in the Human Gene Mutation Database (HGMD: prior to June 1st, 2018), and was therefore a candidate for classification through an automated scoring system. Utilizing variant allele frequency, disease prevalence and penetrance estimates, and inheritance mode, an automated score was calculated to assess if this variant is too frequent to cause the disease. Based on the score and internal cut-off values, a variant classified as likely benign is not then subjected to further curation. The score for this variant resulted in a classification of likely benign for this disease.

NM_012213.3(MLYCD):c.*382G>T

Gene: MLYCD (malonyl-CoA decarboxylase; plus strand). Cytogenetic location: 16q23.3.
Variant type: single nucleotide variant.
Coding change: c.*382G>T on transcript NM_012213.3 (MANE Select); 382 bases downstream of the stop codon, G replaced by T.
Molecular consequence: 3 prime UTR variant.
Genome position (GRCh38, 1-based): chr16:83,915,871, G>T. VCF-style: chr16-83915871-G-T. GRCh37 (hg19) VCF-style: chr16-83949476-G-T.
Identifiers: ClinVar variation 320752 (VCV000320752.5), dbSNP rs545195059, ClinGen allele CA10644381.